The following is an entry in ClinVar:

NM_000059.4(BRCA2):c.2687A>G (p.Asn896Ser)

Gene: BRCA2 (BRCA2 DNA repair associated; plus strand). Cytogenetic location: 13q13.1.
Variant type: single nucleotide variant.
Coding change: c.2687A>G on transcript NM_000059.4 (MANE Select); coding-DNA position 2687, A replaced by G.
Protein change: p.Asn896Ser; replaces asparagine 896 with serine.
Molecular consequence: missense variant. On other transcripts: non-coding transcript variant (1), intron variant (2).
Genome position (GRCh38, 1-based): chr13:32,337,042, A>G. VCF-style: chr13-32337042-A-G. GRCh37 (hg19) VCF-style: chr13-32911179-A-G.
Other names: c.2687A>G, p.Asn896Ser (NM_001406719.1, NM_001406720.1); c.1909+3655A>G (NM_001406721.1); c.424+6012A>G (NM_001406722.1); short protein forms N896S.
Identifiers: ClinVar variation 2735678 (VCV002735678.4), dbSNP rs2072462890, ClinGen allele CA387773442.

ClinVar aggregate classification (germline): Uncertain significance. Review status: criteria provided, multiple submitters, no conflicts (2 of 4 stars). 2 submissions from 2 submitters: Uncertain significance (2). Last evaluated 2025-01-02.

Conditions:
Hereditary breast ovarian cancer syndrome. Also called: Hereditary breast and ovarian cancer syndrome; Breast and ovarian cancer; Hereditary breast and/or ovarian cancer syndrome; Hereditary breast and ovarian cancer; Hereditary breast and ovarian cancer syndrome (HBOC); BRCA1- and BRCA2-Associated Hereditary Breast and Ovarian Cancer. Identifiers: Orphanet 145, MedGen C0677776, MeSH D061325, MONDO:0003582. Disease mechanism: loss of function.
Breast-ovarian cancer, familial, susceptibility to, 2 (BROVCA2). Also called: BRCA2 Hereditary Breast and Ovarian Cancer. Identifiers: Orphanet 145, MedGen C2675520, MONDO:0012933, OMIM 612555. Disease mechanism: loss of function.

Submissions (2):

Labcorp Genetics (formerly Invitae), Labcorp
Classification: Uncertain significance for Hereditary breast ovarian cancer syndrome. Last evaluated: 2025-01-02. Review status: criteria provided, single submitter. Criteria: Invitae Variant Classification Sherloc (09022015). Collection method: clinical testing. Allele origin: germline.
Comment: This sequence change replaces asparagine, which is neutral and polar, with serine, which is neutral and polar, at codon 896 of the BRCA2 protein (p.Asn896Ser). This variant is not present in population databases (gnomAD no frequency). This variant has not been reported in the literature in individuals affected with BRCA2-related conditions. ClinVar contains an entry for this variant (Variation ID: 2735678). Invitae Evidence Modeling of protein sequence and biophysical properties (such as structural, functional, and spatial information, amino acid conservation, physicochemical variation, residue mobility, and thermodynamic stability) indicates that this missense variant is not expected to disrupt BRCA2 protein function with a negative predictive value of 95%. In summary, the available evidence is currently insufficient to determine the role of this variant in disease. Therefore, it has been classified as a Variant of Uncertain Significance.

All of Us Research Program, National Institutes of Health
Classification: Uncertain significance for Breast-ovarian cancer, familial, susceptibility to, 2. Last evaluated: 2023-08-23. Review status: criteria provided, single submitter. Criteria: ACMG Guidelines, 2015. Collection method: clinical testing. Allele origin: germline. Inheritance: Autosomal dominant inheritance. Observed: 1 variant allele, 1 heterozygote.
Comment: This missense variant replaces asparagine with serine at codon 896 of the BRCA2 protein. Computational prediction suggests that this variant may not impact protein structure and function (internally defined REVEL score threshold <= 0.5, PMID: 27666373). To our knowledge, functional studies have not been reported for this variant. This variant has not been reported in individuals affected with BRCA2-related disorders in the literature. This variant has not been identified in the general population by the Genome Aggregation Database (gnomAD). The available evidence is insufficient to determine the role of this variant in disease conclusively. Therefore, this variant is classified as a Variant of Uncertain Significance.

This study involves interpretation of variants in research participants for the purpose of population health screening. Participant phenotype was not available at the time of variant classification. Additional details can be found in publication PMID: 35346344, PMCID: PMC8962531